The following is an entry in ClinVar:

NM_014915.3(ANKRD26):c.1591G>A (p.Glu531Lys)

Gene: ANKRD26 (ankyrin repeat domain 26; minus strand). Cytogenetic location: 10p12.1.
Variant type: single nucleotide variant.
Coding change: c.1591G>A on transcript NM_014915.3 (MANE Select); coding-DNA position 1591, G replaced by A.
Protein change: p.Glu531Lys; replaces glutamic acid 531 with lysine.
Molecular consequence: missense variant.
Genome position (GRCh38, 1-based): chr10:27,053,364, C>T on the plus strand (G>A on the coding strand, the complement: ANKRD26 is on the minus strand). VCF-style: chr10-27053364-C-T. GRCh37 (hg19) VCF-style: chr10-27342293-C-T.
Other names: c.1591G>A, p.Glu531Lys (NM_001256053.2); short protein forms E531K.
Identifiers: ClinVar variation 5023879 (VCV005023879.1).

ClinVar aggregate classification (germline): Uncertain significance (1 of 4 stars; one submission).

Conditions:
Inborn genetic diseases. Identifiers: MedGen C0950123, MeSH D030342.

Submission:

Ambry Genetics
Classification: Uncertain significance for Inborn genetic diseases. Last evaluated: 2026-09-13. Review status: criteria provided, single submitter. Criteria: Ambry Variant Classification Scheme 2023. Collection method: clinical testing. Allele origin: germline.
Comment: The p.E531K variant (also known as c.1591G>A), located in coding exon 16 of the ANKRD26 gene, results from a G to A substitution at nucleotide position 1591. The glutamic acid at codon 531 is replaced by lysine, an amino acid with similar properties. This amino acid position is conserved. In addition, this alteration is predicted to be tolerated by in silico analysis. Based on the available evidence, the clinical significance of this variant remains unclear.